The following is an entry in ClinVar:

ClinVar aggregate classification (germline): Likely benign (1 of 4 stars; one submission).

Submission:

CeGaT Center for Human Genetics Tuebingen
Classification: Likely benign. Last evaluated: 2024-01-01. Review status: criteria provided, single submitter. Criteria: CeGaT Center For Human Genetics Tuebingen Variant Classification Criteria Version 2. Collection method: clinical testing. Allele origin: germline. Affected: yes. Observed: 1 variant allele.
Comment: NBAS: PM2:Supporting, BP4, BP7

NM_015909.4(NBAS):c.2280G>C (p.Leu760=)

Gene: NBAS (NBAS subunit of NRZ tethering complex; minus strand). Cytogenetic location: 2p24.3.
Variant type: single nucleotide variant.
Coding change: c.2280G>C on transcript NM_015909.4 (MANE Select); coding-DNA position 2280, G replaced by C.
Protein change: p.Leu760=; no amino-acid change (leucine 760 retained).
Molecular consequence: synonymous variant. On other transcripts: non-coding transcript variant (1).
Genome position (GRCh38, 1-based): chr2:15,461,260, C>G on the plus strand (G>C on the coding strand, the complement: NBAS is on the minus strand). VCF-style: chr2-15461260-C-G. GRCh37 (hg19) VCF-style: chr2-15601384-C-G.
Identifiers: ClinVar variation 3026221 (VCV003026221.22), dbSNP rs377174684, ClinGen allele CA424869108.
Genomic context (GRCh38, chr2:15,461,260, plus strand): 5'-CCAAGCTTCGGGCAGCAAAACAGAATATTCATGTGGAGAAGTGGTCTCTGGAAAGTTGGA[C>G]AGAATTGCAAGGCGATGAGGAAGCAGGTCGGAACCATGGTAAGTAAACAGAATTTCCAGG-3'
Protein context (NP_056993.2, residues 750-770): SDLLPHRLAI[Leu760=]SNFPETTSPH